The following is an entry in ClinVar:

NM_000069.3(CACNA1S):c.1045A>T (p.Thr349Ser)

Gene: CACNA1S (calcium voltage-gated channel subunit alpha1 S; minus strand). Cytogenetic location: 1q32.1.
Variant type: single nucleotide variant.
Coding change: c.1045A>T on transcript NM_000069.3 (MANE Select); coding-DNA position 1045, A replaced by T.
Protein change: p.Thr349Ser; replaces threonine 349 with serine.
Molecular consequence: missense variant.
Genome position (GRCh38, 1-based): chr1:201,085,541, T>A on the plus strand (A>T on the coding strand, the complement: CACNA1S is on the minus strand). VCF-style: chr1-201085541-T-A. GRCh37 (hg19) VCF-style: chr1-201054669-T-A.
Other names: short protein forms T349S.
Identifiers: ClinVar variation 1417622 (VCV001417622.10), dbSNP rs752737494, ClinGen allele CA344129983.

ClinVar aggregate classification (germline): Uncertain significance. Review status: criteria provided, multiple submitters, no conflicts (2 of 4 stars). 3 submissions from 3 submitters: Uncertain significance (3). Last evaluated 2024-08-23.

Conditions:
Hypokalemic periodic paralysis, type 1. Also called: Hypokalemic Periodic Paralysis Type 1 (AD); HypoPP. Identifiers: Orphanet 681, MedGen C3714580, MONDO:0042979, OMIM 170400.
Malignant hyperthermia, susceptibility to, 5 (MHS5). Also called: CACNA1S-Related Malignant Hyperthermia Susceptibility. Identifiers: Orphanet 423, MedGen C1866077, MONDO:0011163, OMIM 601887.

Allele frequency attached by ClinVar (database versions not stated): gnomAD 0.00001.
gnomAD v4.1: 3 of 1,613,146 alleles (0.00019%); highest among the groups gnomAD compares: Non-Finnish European, 0.00025%; no homozygotes.

Submissions (3):

All of Us Research Program, National Institutes of Health
Classification: Uncertain significance for Malignant hyperthermia, susceptibility to, 5. Last evaluated: 2024-08-23. Review status: criteria provided, single submitter. Criteria: ACMG Guidelines, 2015. Collection method: clinical testing. Allele origin: germline. Inheritance: Autosomal dominant inheritance. Observed: 2 variant alleles, 2 heterozygotes.
Comment: This missense variant replaces threonine with serine at codon 349 of the CACNA1S protein. Computational prediction suggests that this variant may not impact protein structure and function (internally defined REVEL score threshold <= 0.5, PMID: 27666373). To our knowledge, functional studies have not been reported for this variant. This variant has not been reported in individuals affected with CACNA1S-related disorders in the literature. This variant has not been identified in the general population by the Genome Aggregation Database (gnomAD). The available evidence is insufficient to determine the role of this variant in disease conclusively. Therefore, this variant is classified as a Variant of Uncertain Significance.

This study involves interpretation of variants in research participants for the purpose of population health screening. Participant phenotype was not available at the time of variant classification. Additional details can be found in publication PMID: 35346344, PMCID: PMC8962531

Color Diagnostics, LLC DBA Color Health
Classification: Uncertain significance for Malignant hyperthermia, susceptibility to, 5. Last evaluated: 2024-02-14. Review status: criteria provided, single submitter. Criteria: ACMG Guidelines, 2015. Collection method: clinical testing. Allele origin: germline.
Comment: This missense variant replaces threonine with serine at codon 349 of the CACNA1S protein. Computational prediction suggests that this variant may not impact protein structure and function. To our knowledge, functional studies have not been reported for this variant. This variant has not been reported in individuals affected with CACNA1S-related disorders in the literature. This variant has not been identified in the general population by the Genome Aggregation Database (gnomAD). The available evidence is insufficient to determine the role of this variant in disease conclusively. Therefore, this variant is classified as a Variant of Uncertain Significance.

Labcorp Genetics (formerly Invitae), Labcorp
Classification: Uncertain significance for Hypokalemic periodic paralysis, type 1; Malignant hyperthermia, susceptibility to, 5. Last evaluated: 2023-05-09. Review status: criteria provided, single submitter. Criteria: Invitae Variant Classification Sherloc (09022015). Collection method: clinical testing. Allele origin: germline.
Comment: In summary, the available evidence is currently insufficient to determine the role of this variant in disease. Therefore, it has been classified as a Variant of Uncertain Significance. Advanced modeling of protein sequence and biophysical properties (such as structural, functional, and spatial information, amino acid conservation, physicochemical variation, residue mobility, and thermodynamic stability) performed at Invitae indicates that this missense variant is not expected to disrupt CACNA1S protein function. ClinVar contains an entry for this variant (Variation ID: 1417622). This variant has not been reported in the literature in individuals affected with CACNA1S-related conditions. This variant is not present in population databases (gnomAD no frequency). This sequence change replaces threonine, which is neutral and polar, with serine, which is neutral and polar, at codon 349 of the CACNA1S protein (p.Thr349Ser).